The following is an entry in ClinVar:

ClinVar aggregate classification (germline): Uncertain significance (3 of 4 stars; one submission).

Conditions:
Monogenic diabetes. Identifiers: Orphanet 183625, MedGen C3888631, MONDO:0015967.

Allele frequency attached by ClinVar (database versions not stated): TOPMed below 0.00001.
gnomAD v4.1: 13 of 1,614,002 alleles (0.00081%); highest among the groups gnomAD compares: South Asian, 0.0011%; no homozygotes.

Submission:

ClinGen Monogenic Diabetes Variant Curation Expert Panel
Classification: Uncertain significance for Monogenic diabetes. Last evaluated: 2024-04-07. Review status: reviewed by expert panel. Criteria: ClinGen Diabetes ACMG Specifications HNF4A V2.0.0. Collection method: curation. Allele origin: germline. Inheritance: Autosomal dominant inheritance.
Comment: The c.1283C>T variant in the hepatocyte nuclear factor 4-alpha gene, HNF4A, causes an amino acid change of proline to leucine at codon 428 (p.(Pro428Leu)) of NM_175914.5. This variant has a REVEL score of 0.169, which is between the ClinGen MDEP thresholds for BP4 and PP3, predicting neither a damaging nor benign impact on HNF4A function. This variant has an incomputable gnomAD v2.1.1 Grpmax filtering allele frequency due to 1 copy in the European non-Finnish subpopulation and 0 copies in any other subpopulation, thereby meeting the ClinGen MDEP threshold criteria for PM2_Supporting (ENF Grpmax FAF <= 0.000003 and <= 2 copies in ENF and <=1 copy in any other subpopulation) (PM2_Supporting). This variant was identified in 5 unrelated individuals with non- autoimmune and non-absolute/near-absolute insulin-deficient diabetes (PS4_Moderate; PMID: 10447526, internal lab contributors). One of these individuals had a clinical history suggestive of HNF4A-MODY (neonatal hypoglycemia that is responsive to diazoxide and negative genetic testing for ABCC8 and KCNJ11) (PP4; internal lab contributors). In summary, c.1283C>T meets the criteria to be classified as a variant of uncertain significance for monogenic diabetes. ACMG/AMP criteria applied, as specified by the ClinGen MDEP (specification version 2.0.0, approved 10/11/2023): PS4_Moderate, PP4, PM2_Supporting.

NM_175914.5(HNF4A):c.1283C>T (p.Pro428Leu)

Gene: HNF4A (hepatocyte nuclear factor 4 alpha; plus strand). Cytogenetic location: 20q13.12.
Variant type: single nucleotide variant.
Coding change: c.1283C>T on transcript NM_175914.5 (MANE Select); coding-DNA position 1283, C replaced by T.
Protein change: p.Pro428Leu; replaces proline 428 with leucine.
Molecular consequence: missense variant.
Genome position (GRCh38, 1-based): chr20:44,429,589, C>T. VCF-style: chr20-44429589-C-T. GRCh37 (hg19) VCF-style: chr20-43058229-C-T.
Other names: NM_175914.5:c.1283C>T; c.1349C>T, p.Pro450Leu (NM_000457.6); c.1253C>T, p.Pro418Leu (NM_001030003.3); c.1328C>T, p.Pro443Leu (NM_001258355.2); c.1244C>T, p.Pro415Leu (NM_001287182.2); c.1274C>T, p.Pro425Leu (NM_001287183.2); c.1319C>T, p.Pro440Leu (NM_178849.3); short protein forms P415L, P418L, P425L, P428L, P440L, P443L, P450L.
Identifiers: ClinVar variation 3234004 (VCV003234004.1), dbSNP rs1488143159, ClinGen allele CA409110425.